The following is an entry in ClinVar:

NM_021224.6(ZNF462):c.3038C>T (p.Thr1013Ile)

Gene: ZNF462 (zinc finger protein 462; plus strand). Cytogenetic location: 9q31.2.
Variant type: single nucleotide variant.
Coding change: c.3038C>T on transcript NM_021224.6 (MANE Select); coding-DNA position 3038, C replaced by T.
Protein change: p.Thr1013Ile; replaces threonine 1013 with isoleucine.
Molecular consequence: missense variant.
Genome position (GRCh38, 1-based): chr9:106,926,950, C>T. VCF-style: chr9-106926950-C-T. GRCh37 (hg19) VCF-style: chr9-109689231-C-T.
Other names: c.3038C>T, p.Thr1013Ile (NM_001347997.2); short protein forms T1013I.
Identifiers: ClinVar variation 2277892 (VCV002277892.4), dbSNP rs770195640, ClinGen allele CA5171585.
Genomic context (GRCh38, chr9:106,926,950, plus strand): 5'-CTGTGGCTCGTGGTGGTGGTTTGCCAGCTACGTTCAACAAAAACACTCCTAAGACCTTTA[C>T]TCCTGAATGTGAAAATCAGAAGGACCCTTTGGTCAACACTGTTGTTGTTTATGATTGTGA-3'
Protein context (NP_067047.4, residues 1003-1023): TFNKNTPKTF[Thr1013Ile]PECENQKDPL

ClinVar aggregate classification (germline): Uncertain significance. Review status: criteria provided, multiple submitters, no conflicts (2 of 4 stars). 2 submissions from 2 submitters: Uncertain significance (2). Last evaluated 2024-02-15.

Conditions:
Inborn genetic diseases. Identifiers: MedGen C0950123, MeSH D030342.

Allele frequency attached by ClinVar (database versions not stated): TOPMed 0.00001.
gnomAD v4.1: 1 of 1,614,170 alleles (0.000062%); highest among the groups gnomAD compares: Non-Finnish European, 0.000085%; no homozygotes.

Submissions (2):

Women's Health and Genetics/Laboratory Corporation of America, LabCorp
Classification: Uncertain significance. Last evaluated: 2024-02-15. Review status: criteria provided, single submitter. Criteria: LabCorp Variant Classification Summary - May 2015. Collection method: clinical testing. Allele origin: germline.
Comment: Variant summary: ZNF462 c.3038C>T (p.Thr1013Ile) results in a non-conservative amino acid change in the encoded protein sequence. Three of five in-silico tools predict a benign effect of the variant on protein function. The variant allele was found at a frequency of 4e-06 in 251468 control chromosomes. The available data on variant occurrences in the general population are insufficient to allow any conclusion about variant significance. To our knowledge, no occurrence of c.3038C>T in individuals affected with Weiss-Kruszka Syndrome and no experimental evidence demonstrating its impact on protein function have been reported. ClinVar contains an entry for this variant (Variation ID: 2277892). Based on the evidence outlined above, the variant was classified as uncertain significance.

Ambry Genetics
Classification: Uncertain significance for Inborn genetic diseases. Last evaluated: 2022-02-24. Review status: criteria provided, single submitter. Criteria: Ambry Variant Classification Scheme 2023. Collection method: clinical testing. Allele origin: germline.